The following is an entry in ClinVar:

ClinVar aggregate classification (germline): Conflicting classifications of pathogenicity. Review status: criteria provided, conflicting classifications (1 of 4 stars). 3 submissions from 3 submitters: Pathogenic (1); Uncertain significance (2). Last evaluated 2026-06-02.

Conditions:
Endometrial carcinoma. Also called: Endometrial carcinoma, somatic. Identifiers: MedGen C0476089, MONDO:0002447, OMIM 608089, HP:0012114.
Colorectal cancer, hereditary nonpolyposis, type 7. Identifiers: Orphanet 144, MedGen C1858380, MONDO:0013725, OMIM 614385.

Allele frequency attached by ClinVar (database versions not stated): TOPMed 0.00003; ExAC 0.00002; gnomAD 0.00002; gnomAD exomes 0.00005 and 0.00003.
gnomAD v4.1: 76 of 1,613,818 alleles (0.0047%); highest among the groups gnomAD compares: Non-Finnish European, 0.0061%; no homozygotes.

Submissions (3):

Ambry Genetics
Classification: Pathogenic. Last evaluated: 2026-06-02. Review status: criteria provided, single submitter. Criteria: Ambry Variant Classification Scheme 2023. Collection method: clinical testing. Allele origin: germline.
Comment: The p.R210* pathogenic mutation (also known as c.628C>T), located in coding exon 1 of the MLH3 gene, results from a C to T substitution at nucleotide position 628. This changes the amino acid from an arginine to a stop codon within coding exon 1. This alteration is expected to result in loss of function by premature protein truncation or nonsense-mediated mRNA decay. As such, this alteration is interpreted as a disease-causing mutation.

Labcorp Genetics (formerly Invitae), Labcorp
Classification: Uncertain significance for Colorectal cancer, hereditary nonpolyposis, type 7. Last evaluated: 2025-07-31. Review status: criteria provided, single submitter. Criteria: Invitae Variant Classification Sherloc (09022015). Collection method: clinical testing. Allele origin: germline.
Comment: This sequence change creates a premature translational stop signal (p.Arg210*) in the MLH3 gene. It is expected to result in an absent or disrupted protein product. However, the current clinical and genetic evidence is not sufficient to establish whether loss-of-function variants in MLH3 cause disease. This variant is present in population databases (rs770668994, gnomAD 0.005%). This variant has not been reported in the literature in individuals affected with MLH3-related conditions. ClinVar contains an entry for this variant (Variation ID: 860534). In summary, the available evidence is currently insufficient to determine the role of this variant in disease. Therefore, it has been classified as a Variant of Uncertain Significance.

Department of Pathology and Laboratory Medicine, Sinai Health System
Classification: Uncertain significance for Endometrial carcinoma. Last evaluated: 2023-05-09. Review status: criteria provided, single submitter. Criteria: ACMG Guidelines, 2015. Collection method: clinical testing. Allele origin: germline. Affected: yes.

NM_001040108.2(MLH3):c.628C>T (p.Arg210Ter)

Gene: MLH3 (mutL homolog 3; minus strand). Cytogenetic location: 14q24.3.
Variant type: single nucleotide variant.
Coding change: c.628C>T on transcript NM_001040108.2 (MANE Select); coding-DNA position 628, C replaced by T.
Protein change: p.Arg210Ter; replaces arginine 210 with a stop codon.
Molecular consequence: nonsense.
Genome position (GRCh38, 1-based): chr14:75,049,028, G>A on the plus strand (C>T on the coding strand, the complement: MLH3 is on the minus strand). VCF-style: chr14-75049028-G-A. GRCh37 (hg19) VCF-style: chr14-75515731-G-A.
Other names: c.628C>T, p.Arg210Ter (NM_014381.3); short protein forms R210*.
Identifiers: ClinVar variation 860534 (VCV000860534.13), dbSNP rs770668994, ClinGen allele CA7275993.